The following is an entry in ClinVar:

NM_004360.5(CDH1):c.2293C>G (p.Gln765Glu)

Gene: CDH1 (cadherin 1; plus strand). Cytogenetic location: 16q22.1.
Variant type: single nucleotide variant.
Coding change: c.2293C>G on transcript NM_004360.5 (MANE Select); coding-DNA position 2293, C replaced by G.
Protein change: p.Gln765Glu; replaces glutamine 765 with glutamic acid.
Molecular consequence: missense variant.
Genome position (GRCh38, 1-based): chr16:68,828,302, C>G. VCF-style: chr16-68828302-C-G. GRCh37 (hg19) VCF-style: chr16-68862205-C-G.
Other names: c.2110C>G, p.Gln704Glu (NM_001317184.2); c.745C>G, p.Gln249Glu (NM_001317185.2); c.328C>G, p.Gln110Glu (NM_001317186.2); short protein forms Q249E, Q704E, Q765E, Q110E.
Identifiers: ClinVar variation 4743925 (VCV004743925.1).

ClinVar aggregate classification (germline): Uncertain significance (1 of 4 stars; one submission).

Conditions:
Hereditary diffuse gastric adenocarcinoma (HDGC). Also called: DIFFUSE GASTRIC AND LOBULAR BREAST CANCER SYNDROME. Identifiers: Orphanet 26106, MedGen C1708349, MONDO:0007648, OMIM 137215.

Submission:

Labcorp Genetics (formerly Invitae), Labcorp
Classification: Uncertain significance for Hereditary diffuse gastric adenocarcinoma. Last evaluated: 2025-04-22. Review status: criteria provided, single submitter. Criteria: Invitae Variant Classification Sherloc (09022015). Collection method: clinical testing. Allele origin: germline.
Comment: This sequence change replaces glutamine, which is neutral and polar, with glutamic acid, which is acidic and polar, at codon 765 of the CDH1 protein (p.Gln765Glu). This variant is not present in population databases (gnomAD no frequency). This variant has not been reported in the literature in individuals affected with CDH1-related conditions. An algorithm developed to predict the effect of missense changes on protein structure and function (PolyPhen-2) suggests that this variant is likely to be disruptive. In summary, the available evidence is currently insufficient to determine the role of this variant in disease. Therefore, it has been classified as a Variant of Uncertain Significance.